The following is an entry in ClinVar:

ClinVar aggregate classification (germline): Uncertain significance. Review status: criteria provided, multiple submitters, no conflicts (2 of 4 stars). 3 submissions from 3 submitters: Uncertain significance (3). Last evaluated 2024-06-17.

Conditions:
Intellectual developmental disorder, X-linked 1. Also called: Atkin Flaitz Patil Smith syndrome; MENTAL RETARDATION, X-LINKED 18; MENTAL RETARDATION, X-LINKED 78; Intellectual disability, X-linked 1. Identifiers: Orphanet 777, MedGen C2931498, MONDO:0010656, OMIM 309530.

Allele frequency attached by ClinVar (database versions not stated): gnomAD exomes 0.00001; gnomAD 0.00003; TOPMed 0.00002.
gnomAD v4.1: 9 of 1,207,942 alleles (0.00075%); highest among the groups gnomAD compares: Non-Finnish European, 0.001%; no homozygotes.

Submissions (3):

GeneDx
Classification: Uncertain significance. Last evaluated: 2024-06-17. Review status: criteria provided, single submitter. Criteria: GeneDx Variant Classification Process June 2021. Collection method: clinical testing. Allele origin: germline. Affected: yes.
Comment: Not observed at significant frequency in large population cohorts (gnomAD); Has not been previously published as pathogenic or benign to our knowledge; In silico analysis supports a deleterious effect on splicing

Labcorp Genetics (formerly Invitae), Labcorp
Classification: Uncertain significance for Intellectual developmental disorder, X-linked 1. Last evaluated: 2024-02-16. Review status: criteria provided, single submitter. Criteria: Invitae Variant Classification Sherloc (09022015). Collection method: clinical testing. Allele origin: germline.
Comment: This sequence change affects codon 838 of the IQSEC2 mRNA. It is a 'silent' change, meaning that it does not change the encoded amino acid sequence of the IQSEC2 protein. This variant is not present in population databases (gnomAD no frequency). This variant has not been reported in the literature in individuals affected with IQSEC2-related conditions. ClinVar contains an entry for this variant (Variation ID: 851029). Algorithms developed to predict the effect of sequence changes on RNA splicing suggest that this variant may disrupt the consensus splice site. In summary, the available evidence is currently insufficient to determine the role of this variant in disease. Therefore, it has been classified as a Variant of Uncertain Significance.

Clinical Genomics Laboratory, Washington University in St. Louis
Classification: Uncertain significance for Intellectual developmental disorder, X-linked 1. Last evaluated: 2023-08-27. Review status: criteria provided, single submitter. Criteria: ACMG Guidelines, 2015. Collection method: clinical testing. Allele origin: germline.
Comment: The IQSEC2 c.2514G>T (p.Arg838=) variant has not been reported in the medical literature to our knowledge. This variant is absent from the general population (gnomAD v.2.1.1), indicating it is not a common variant. Computational predictors indicate that this variant would alter RNA splicing, evidence that correlates with impact to IQSEC2 protein function. This variant has been submitted to ClinVar as a variant of uncertain significance by two laboratories (variation ID: 851029). Due to limited information, and based on ACMG/AMP guidelines for variant interpretation (Richards S et al., PMID: 25741868), the clinical significance of this variant is uncertain at this time.

NM_001111125.3(IQSEC2):c.2514G>T (p.Arg838=)

Gene: IQSEC2 (IQ motif and Sec7 domain ArfGEF 2; minus strand). Cytogenetic location: Xp11.22.
Variant type: single nucleotide variant.
Coding change: c.2514G>T on transcript NM_001111125.3 (MANE Select); coding-DNA position 2514, G replaced by T.
Protein change: p.Arg838=; no amino-acid change (arginine 838 retained).
Molecular consequence: synonymous variant.
Genome position (GRCh38, 1-based): chrX:53,248,182, C>A on the plus strand (G>T on the coding strand, the complement: IQSEC2 is on the minus strand). VCF-style: chrX-53248182-C-A. GRCh37 (hg19) VCF-style: chrX-53277364-C-A.
Other names: c.1899G>T, p.Arg633= (NM_015075.2).
Identifiers: ClinVar variation 851029 (VCV000851029.10), dbSNP rs1167090163, ClinGen allele CA516428217.
Genomic context (GRCh38, chrX:53,248,182, plus strand): 5'-TTCGATGAGTCGCTCCACTTTCTGGGCCTCACCCTGAACCCGGATATGGGACTGGAACTT[C>A]CGGAGCGCATCATCCAGATCCATGGAGGAGAAGTCCATCTCATCCACCACACAGCTAAGG-3'
Protein context (NP_001104595.1, residues 828-848): FSSMDLDDAL[Arg838=]KFQSHIRVQG